The following is an entry in ClinVar:

NM_012309.5(SHANK2):c.318G>A (p.Pro106=)

Gene: SHANK2 (SH3 and multiple ankyrin repeat domains 2; minus strand). Cytogenetic location: 11q13.4.
Variant type: single nucleotide variant.
Coding change: c.318G>A on transcript NM_012309.5 (MANE Select); coding-DNA position 318, G replaced by A.
Protein change: p.Pro106=; no amino-acid change (proline 106 retained).
Molecular consequence: synonymous variant.
Genome position (GRCh38, 1-based): chr11:71,118,922, C>T on the plus strand (G>A on the coding strand, the complement: SHANK2 is on the minus strand). VCF-style: chr11-71118922-C-T. GRCh37 (hg19) VCF-style: chr11-70829968-C-T.
Identifiers: ClinVar variation 3047435 (VCV003047435.2), dbSNP rs141716902, ClinGen allele CA6162147.

ClinVar aggregate classification (germline): Likely benign (0 of 4 stars; one submission).

Conditions:
SHANK2-related disorder.

Allele frequency attached by ClinVar (database versions not stated): ExAC 0.00023; 1000 Genomes Project 30x 0.00078; 1000 Genomes Project 0.00100; gnomAD exomes 0.00005; gnomAD 0.00009; TOPMed 0.00012; ESP Exome Variant Server 0.00022.
gnomAD v4.1: 107 of 1,551,748 alleles (0.0069%); highest among the groups gnomAD compares: East Asian, 0.056%; no homozygotes.

Submission:

PreventionGenetics, part of Exact Sciences
Classification: Likely benign for SHANK2-related condition. Last evaluated: 2024-09-17. Review status: no assertion criteria provided. Collection method: clinical testing. Allele origin: germline.
Comment: This variant is classified as likely benign based on ACMG/AMP sequence variant interpretation guidelines (Richards et al. 2015 PMID: 25741868, with internal and published modifications).